The following is an entry in ClinVar:

NM_030912.3(TRIM8):c.1590G>T (p.Gln530His)

Gene: TRIM8 (tripartite motif containing 8; plus strand). Cytogenetic location: 10q24.32.
Variant type: single nucleotide variant.
Coding change: c.1590G>T on transcript NM_030912.3 (MANE Select); coding-DNA position 1590, G replaced by T.
Protein change: p.Gln530His; replaces glutamine 530 with histidine.
Molecular consequence: missense variant. On other transcripts: non-coding transcript variant (1).
Genome position (GRCh38, 1-based): chr10:102,657,288, G>T. VCF-style: chr10-102657288-G-T. GRCh37 (hg19) VCF-style: chr10-104417045-G-T.
Other names: c.1494G>T, p.Gln498His (NM_001345950.1); short protein forms Q498H, Q530H.
Identifiers: ClinVar variation 3623851 (VCV003623851.2).
Genomic context (GRCh38, chr10:102,657,288, plus strand): 5'-CTCCGTCCCCCAGTCCCTTCCCAGCCTGGCGGTCAGAGACTGGCTTGACGCCTCCCAGCA[G>T]CCCGGCCACCAGGATTTCTACAGGGTGTATGGGCAGCCGTCCACCAAACACTACGTGACG-3'
Protein context (NP_112174.2, residues 520-540): AVRDWLDASQ[Gln530His]PGHQDFYRVY

ClinVar aggregate classification (germline): Uncertain significance (1 of 4 stars; one submission).

gnomAD v4.1: 1 of 1,613,334 alleles (0.000062%); highest among the groups gnomAD compares: Non-Finnish European, 0.000085%; no homozygotes.

Submission:

Labcorp Genetics (formerly Invitae), Labcorp
Classification: Uncertain significance. Last evaluated: 2024-07-31. Review status: criteria provided, single submitter. Criteria: Invitae Variant Classification Sherloc (09022015). Collection method: clinical testing. Allele origin: germline.
Comment: This sequence change replaces glutamine, which is neutral and polar, with histidine, which is basic and polar, at codon 530 of the TRIM8 protein (p.Gln530His). This variant is not present in population databases (gnomAD no frequency). This variant has not been reported in the literature in individuals affected with TRIM8-related conditions. An algorithm developed to predict the effect of missense changes on protein structure and function (PolyPhen-2) suggests that this variant is likely to be tolerated. In summary, the available evidence is currently insufficient to determine the role of this variant in disease. Therefore, it has been classified as a Variant of Uncertain Significance.